The following is an entry in ClinVar:

ClinVar aggregate classification (germline): Uncertain significance (1 of 4 stars; one submission).

Submission:

Ambry Genetics
Classification: Uncertain significance. Last evaluated: 2025-01-17. Review status: criteria provided, single submitter. Criteria: Ambry Variant Classification Scheme 2023. Collection method: clinical testing. Allele origin: germline.
Comment: The p.I789F variant (also known as c.2365A>T), located in coding exon 13 of the GEN1 gene, results from an A to T substitution at nucleotide position 2365. The isoleucine at codon 789 is replaced by phenylalanine, an amino acid with highly similar properties. This amino acid position is conserved. In addition, this alteration is predicted to be tolerated by in silico analysis. Based on the available evidence, the clinical significance of this variant remains unclear.

NM_001130009.3(GEN1):c.2365A>T (p.Ile789Phe)

Gene: GEN1 (GEN1 Holliday junction 5' flap endonuclease; plus strand). Cytogenetic location: 2p24.2.
Variant type: single nucleotide variant.
Coding change: c.2365A>T on transcript NM_001130009.3 (MANE Select); coding-DNA position 2365, A replaced by T.
Protein change: p.Ile789Phe; replaces isoleucine 789 with phenylalanine.
Molecular consequence: missense variant.
Genome position (GRCh38, 1-based): chr2:17,781,577, A>T. VCF-style: chr2-17781577-A-T. GRCh37 (hg19) VCF-style: chr2-17962844-A-T.
Other names: c.2365A>T, p.Ile789Phe (NM_182625.5); short protein forms I789F.
Identifiers: ClinVar variation 3853516 (VCV003853516.1).
Genomic context (GRCh38, chr2:17,781,577, plus strand): 5'-AGACCACCAAATACTGCTTTAGATCATAGTAGAAAAGTTGATATGCAAACCACTCGGAAA[A>T]TTTTAATGAAGAAGAGTGTTTGCCTTGACAGACATTCCTCTGATGAACAAAGTGCCCCAG-3'
Protein context (NP_001123481.3, residues 779-799): RKVDMQTTRK[Ile789Phe]LMKKSVCLDR